The following is an entry in ClinVar:

NM_138615.3(DHX30):c.2689C>T (p.His897Tyr)

Gene: DHX30 (DExH-box helicase 30; plus strand). Cytogenetic location: 3p21.31.
Variant type: single nucleotide variant.
Coding change: c.2689C>T on transcript NM_138615.3 (MANE Select); coding-DNA position 2689, C replaced by T.
Protein change: p.His897Tyr; replaces histidine 897 with tyrosine.
Molecular consequence: missense variant.
Genome position (GRCh38, 1-based): chr3:47,848,737, C>T. VCF-style: chr3-47848737-C-T. GRCh37 (hg19) VCF-style: chr3-47890227-C-T.
Other names: c.2605C>T, p.His869Tyr (NM_001330990.2); c.2572C>T, p.His858Tyr (NM_014966.4); short protein forms H869Y, H897Y, H858Y.
Identifiers: ClinVar variation 4720118 (VCV004720118.1).

ClinVar aggregate classification (germline): Uncertain significance (1 of 4 stars; one submission).

gnomAD v4.1: 1 of 1,614,188 alleles (0.000062%); highest among the groups gnomAD compares: East Asian, 0.0022%; no homozygotes.

Submission:

Labcorp Genetics (formerly Invitae), Labcorp
Classification: Uncertain significance. Last evaluated: 2025-05-23. Review status: criteria provided, single submitter. Criteria: Invitae Variant Classification Sherloc (09022015). Collection method: clinical testing. Allele origin: germline.
Comment: This sequence change replaces histidine, which is basic and polar, with tyrosine, which is neutral and polar, at codon 897 of the DHX30 protein (p.His897Tyr). This variant is not present in population databases (gnomAD no frequency). This variant has not been reported in the literature in individuals affected with DHX30-related conditions. An algorithm developed to predict the effect of missense changes on protein structure and function (PolyPhen-2) suggests that this variant is likely to be tolerated. In summary, the available evidence is currently insufficient to determine the role of this variant in disease. Therefore, it has been classified as a Variant of Uncertain Significance.